The following is an entry in ClinVar:

NM_153700.2(STRC):c.3922C>T (p.Gln1308Ter)

Gene: STRC (stereocilin; minus strand). Cytogenetic location: 15q15.3.
Variant type: single nucleotide variant.
Coding change: c.3922C>T on transcript NM_153700.2 (MANE Select); coding-DNA position 3922, C replaced by T.
Protein change: p.Gln1308Ter; replaces glutamine 1308 with a stop codon.
Molecular consequence: nonsense.
Genome position (GRCh38, 1-based): chr15:43,605,272, G>A on the plus strand (C>T on the coding strand, the complement: STRC is on the minus strand). VCF-style: chr15-43605272-G-A. GRCh37 (hg19) VCF-style: chr15-43897470-G-A.
Other names: short protein forms Q1308*.
Identifiers: ClinVar variation 3359458 (VCV003359458.2).

ClinVar aggregate classification (germline): Pathogenic. Review status: criteria provided, multiple submitters, no conflicts (2 of 4 stars). 2 submissions from 2 submitters: Pathogenic (2). Last evaluated 2025-01-09.

Conditions:
Autosomal recessive nonsyndromic hearing loss 16. Also called: DFNB16 Nonsyndromic Hearing Loss and Deafness; DEAFNESS, AUTOSOMAL RECESSIVE 16. Identifiers: Orphanet 90636, MedGen C1863561, MONDO:0011364, OMIM 603720.

gnomAD v4.1: 7 of 1,586,514 alleles (0.00044%); highest among the groups gnomAD compares: African/African-American, 0.0013%; no homozygotes.

Submissions (2):

Institute of Rare Diseases, West China Hospital, Sichuan University
Classification: Pathogenic for Autosomal recessive nonsyndromic hearing loss 16. Last evaluated: 2025-01-09. Review status: criteria provided, single submitter. Criteria: ClinGen HL ACMG Specifications v1. Collection method: research. Allele origin: germline. Affected: yes.
Comment: PVS1;PM3;PM2_Supporting

GeneDx
Classification: Pathogenic. Last evaluated: 2023-06-13. Review status: criteria provided, single submitter. Criteria: GeneDx Variant Classification Process June 2021. Collection method: clinical testing. Allele origin: germline. Affected: yes.
Comment: Nonsense variant predicted to result in protein truncation or nonsense mediated decay in a gene for which loss of function is a known mechanism of disease; Not observed at significant frequency in large population cohorts (gnomAD); Has not been previously published as pathogenic or benign to our knowledge